The following is an entry in ClinVar:

ClinVar aggregate classification (germline): Pathogenic. Review status: criteria provided, multiple submitters, no conflicts (2 of 4 stars). 18 submissions from 18 submitters: Pathogenic (14). 4 of the submissions do not count toward it. Last evaluated 2026-01-05.

Conditions:
HGD-related disorder. Also called: HGD-related condition.
Alkaptonuria (AKU). Also called: HOMOGENTISIC ACID OXIDASE DEFICIENCY; Alcaptonuria; Alkaptonuric ochronosis; Homogentisic acidura. Identifiers: Orphanet 56, MedGen C0002066, MONDO:0008753, OMIM 203500.

Submissions (18):

Labcorp Genetics (formerly Invitae), Labcorp
Classification: Pathogenic for Alkaptonuria. Last evaluated: 2026-01-05. Review status: criteria provided, single submitter. Criteria: Invitae Variant Classification Sherloc (09022015). Collection method: clinical testing. Allele origin: germline.
Comment: This sequence change creates a premature translational stop signal (p.Ser59Alafs*52) in the HGD gene. It is expected to result in an absent or disrupted protein product. Loss-of-function variants in HGD are known to be pathogenic (PMID: 12501223, 19862842). This variant is present in population databases (rs587776556, gnomAD 0.08%). This premature translational stop signal has been observed in individual(s) with alkaptonuria (PMID: 10594001, 12872836, 18945288, 19862842, 25681086). It has also been observed to segregate with disease in related individuals. This variant is also known as p.R58fs. ClinVar contains an entry for this variant (Variation ID: 3171). For these reasons, this variant has been classified as Pathogenic.

PreventionGenetics, part of Exact Sciences
Classification: Pathogenic for HGD-related condition. Last evaluated: 2025-11-03. Review status: criteria provided, single submitter. Criteria: ACMG Guidelines, 2015. Collection method: clinical testing. Allele origin: germline.
Comment: The HGD c.175delA variant is predicted to result in a frameshift and premature protein termination (p.Ser59Alafs*52). This variant has been reported to be causative for alkaptonuria (Beltrán-Valero de Bernabé et al. 1999. PubMed ID: 10594001; Uyguner et al. 2003. PubMed ID: 12872836; Abdulrazzaq et al. 2009. PubMed ID: 18945288). It has been described in the literature as c.342delA, p.Arg58fs, and p.R58fs. This variant is reported in 0.078% of alleles in individuals of South Asian descent in gnomAD. Frameshift variants in HGD are expected to be pathogenic. This variant is interpreted as pathogenic.

CeGaT Center for Human Genetics Tuebingen
Classification: Pathogenic. Last evaluated: 2025-05-01. Review status: criteria provided, single submitter. Criteria: CeGaT Center For Human Genetics Tuebingen Variant Classification Criteria Version 2. Collection method: clinical testing. Allele origin: germline. Affected: yes. Observed: 3 variant alleles.
Comment: HGD: PVS1, PM2, PM3

Department of Medical Genetics and Pathology, Ardabil University of Medical Sciences
Classification: Pathogenic for Alkaptonuria. Last evaluated: 2025-03-01. Review status: criteria provided, single submitter. Criteria: ACMG Guidelines, 2015. Collection method: research. Allele origin: germline. Affected: yes. Observed: 2 variant alleles.

GeneDx
Classification: Pathogenic. Last evaluated: 2025-01-17. Review status: criteria provided, single submitter. Criteria: GeneDx Variant Classification Process June 2021. Collection method: clinical testing. Allele origin: germline. Affected: yes.
Comment: Frameshift variant predicted to result in protein truncation or nonsense mediated decay in a gene for which loss of function is a known mechanism of disease; This variant is associated with the following publications: (PMID: 12872815, 20301627, 12872836, 18945288, 19862842, 25681086, 10594001, 34426522, 31927521, 32212000, 27535533)

Dubai Health Genomic Medicine Center, Dubai Health
Classification: Pathogenic for Alkaptonuria. Last evaluated: 2024-10-04. Review status: criteria provided, single submitter. Criteria: ACMG Guidelines, 2015. Collection method: research. Allele origin: germline. Affected: yes.
Comment: PVS1,PM3,PP1,PM2

Fulgent Genetics
Classification: Pathogenic for Alkaptonuria. Last evaluated: 2024-04-10. Review status: criteria provided, single submitter. Criteria: ACMG Guidelines, 2015. Collection method: clinical testing. Allele origin: germline.

Neuberg Centre For Genomic Medicine, NCGM
Classification: Pathogenic for Alkaptonuria. Last evaluated: 2024-02-01. Review status: criteria provided, single submitter. Criteria: ACMG Guidelines, 2015. Collection method: clinical testing. Allele origin: germline. Inheritance: Autosomal recessive inheritance. Affected: yes.
Comment: The above variant, lying in the splice region of HGD gene has been reported previously in multiple individuals affected with Alkaptonuria (Usher JL, et al., 2015). It has also been observed to segregate with disease in related individuals. This variant causes a frameshift starting with codon Serine 59, changes this amino acid to Alanine residue, and creates a premature Stop codon at position 52 of the new reading frame, denoted p.Ser59AlafsTer52. This variant is predicted to cause loss of normal protein function through protein truncation. Loss of function variants in HGD gene have been previously reported to be disease causing (Usher JL, et al., 2015). For these reasons, this variant has been classified as Pathogenic

Department of Pathology and Laboratory Medicine, Sinai Health System
Classification: Pathogenic for alkaptonuria. Last evaluated: 2023-07-20. Review status: criteria provided, single submitter. Criteria: ACMG Guidelines, 2015. Collection method: research. Allele origin: germline.

Laboratory for Molecular Medicine, Mass General Brigham Personalized Medicine
Classification: Pathogenic for Alkaptonuria. Last evaluated: 2022-08-26. Review status: criteria provided, single submitter. Criteria: ACMG Guidelines, 2015. Collection method: clinical testing. Allele origin: germline.
Comment: The p.Ser59AlafsX52 variant in HGD has been reported in at least 7 individuals with alkaptonuria and segregated with disease in 5 affected individuals from 4 families (Beltran-Valero 1999 PMID: 10594001, Uyguner 2003 PMID: 12872836, Abdulrazzaq 2009 PMID: 18945288, Usher 2015 PMID:25681086, Akbaba 2020 PMID: 31927521). It has also been identified in 0.06% (3/4828) of South Asian and 0.001% (1/68026) of European chromosomes by gnomAD. This variant has also been reported in ClinVar (Variation ID 3171). This variant is predicted to cause a frameshift, which alters the protein’s amino acid sequence beginning at position 59 and leads to a premature termination codon 52 amino acids downstream. This alteration is then predicted to lead to a truncated or absent protein. Loss of function of the HGD gene is an established disease mechanism in autosomal recessive alkaptonuria. In summary, this variant meets criteria to be classified as pathogenic for autosomal recessive alkaptonuria. ACMG/AMP Criteria applied: PVS1, PP1_Strong, PM3_Strong.

Genetics and Genomic Medicine Centre, NeuroGen Healthcare, NeuroGen Healthcare
Classification: Pathogenic for Alkaptonuria. Last evaluated: 2022-01-16. Review status: criteria provided, single submitter. Criteria: Submitter's publication. Collection method: clinical testing. Allele origin: unknown. Affected: no.

Genomic Research Center, Shahid Beheshti University of Medical Sciences
Classification: Pathogenic. Last evaluated: 2020-05-03. Review status: criteria provided, single submitter. Criteria: ACMG Guidelines, 2015. Collection method: clinical testing. Allele origin: unknown. Affected: no.

Kariminejad - Najmabadi Pathology & Genetics Center
Classification: Pathogenic for Alkaptonuria. Review status: criteria provided, single submitter. Criteria: ACMG Guidelines, 2015. Collection method: clinical testing. Allele origin: germline. Affected: no.

Kasturba Medical College, Manipal, Kasturba Medical College, Manipal, Manipal Academy of Higher Education, Manipal, India
Classification: Pathogenic for Alkaptonuria. Review status: criteria provided, single submitter. Criteria: ACMG Guidelines, 2015. Collection method: clinical testing. Allele origin: germline. Affected: yes.

Counsyl
Classification: Pathogenic for Alkaptonuria. Last evaluated: 2016-03-09. Review status: no assertion criteria provided. Collection method: clinical testing. Allele origin: unknown. Not counted in ClinVar's aggregate classification.

OMIM
Classification: Pathogenic for ALKAPTONURIA. Last evaluated: 2003-01-01. Review status: no assertion criteria provided. Collection method: literature only. Allele origin: germline. Not counted in ClinVar's aggregate classification.

Department Of Human Genetics, Institute Of Clinical And Translational Research, Biomedical Research Center, Slovak Academy Of Sciences
Classification: Pathogenic for Alkaptonuria. Review status: no assertion criteria provided. Collection method: research. Allele origin: germline. Inheritance: Autosomal recessive inheritance. Affected: yes. Observed: 131 variant alleles. Not counted in ClinVar's aggregate classification.
Comment: The variant was originally described in AKU patient in PMID:10594001. It has been submitted to the HGD gene mutation database (DB-ID: AKU_00013).

GeneReviews
No classification provided. Condition: Alkaptonuria. Review status: no classification provided. Collection method: literature only. Allele origin: germline. Not counted in ClinVar's aggregate classification.
Comment: Frequent frameshift variant

Literature cited by the submitters: PubMed 12501223 (cited by Labcorp Genetics (formerly Invitae), Labcorp); PubMed 19862842 (cited by Labcorp Genetics (formerly Invitae), Labcorp); PubMed 10594001 (cited by 4 submitters); PubMed 12872836 (cited by Labcorp Genetics (formerly Invitae), Labcorp); PubMed 18945288 (cited by Labcorp Genetics (formerly Invitae), Labcorp); PubMed 25681086 (cited by Labcorp Genetics (formerly Invitae), Labcorp); PubMed 12872815 (cited by OMIM); PubMed 20301627 (cited by GeneReviews).

NM_000187.4(HGD):c.175del (p.Ser59fs)

Gene: HGD (homogentisate 1,2-dioxygenase; minus strand). Cytogenetic location: 3q13.33.
Variant type: Deletion.
Coding change: c.175del on transcript NM_000187.4 (MANE Select); coding-DNA position 175, one base deleted (A; older notation c.175delA).
Protein change: p.Ser59fs; shifts the reading frame from serine 59.
Molecular consequence: frameshift variant.
Genome position (GRCh38, 1-based): chr3:120,674,902, T deleted on the plus strand (A on the coding strand, the reverse complement: HGD is on the minus strand); the first of 2 consecutive T bases (chr3:120,674,902-120,674,903); deleting either gives the same sequence. VCF-style (leftmost placement, unchanged base first): chr3-120674901-CT-C. GRCh37 (hg19) VCF-style: chr3-120393748-CT-C.
Other names: c.174delA (NM_000187.3); c.175delA (NM_000187.4); c.175del (NM_000187.3); short protein forms S59fs.
Identifiers: ClinVar variation 3171 (VCV000003171.48), dbSNP rs397515517, ClinGen allele CA340047.